The following is an entry in ClinVar:

NM_001378414.1(HDAC4):c.2275G>A (p.Val759Ile)

Gene: HDAC4 (histone deacetylase 4; minus strand). Cytogenetic location: 2q37.3.
Variant type: single nucleotide variant.
Coding change: c.2275G>A on transcript NM_001378414.1 (MANE Select); coding-DNA position 2275, G replaced by A.
Protein change: p.Val759Ile; replaces valine 759 with isoleucine.
Molecular consequence: missense variant.
Genome position (GRCh38, 1-based): chr2:239,095,015, C>T on the plus strand (G>A on the coding strand, the complement: HDAC4 is on the minus strand). VCF-style: chr2-239095015-C-T. GRCh37 (hg19) VCF-style: chr2-240016711-C-T.
Other names: c.2275G>A, p.Val759Ile (NM_001378415.1); c.2260G>A, p.Val754Ile (NM_001378416.1, NM_001378417.1, NM_006037.4); c.2260G>A (NM_006037.3); short protein forms V754I, V759I.
Identifiers: ClinVar variation 1111485 (VCV001111485.15), dbSNP rs151043798, ClinGen allele CA2199490.

ClinVar aggregate classification (germline): Likely benign. Review status: criteria provided, multiple submitters, no conflicts (2 of 4 stars). 4 submissions from 4 submitters: Likely benign (4). Last evaluated 2026-03-01.

Conditions:
HDAC4-related disorder. Also called: HDAC4-related condition.
Inborn genetic diseases. Identifiers: MedGen C0950123, MeSH D030342.

Allele frequency attached by ClinVar (database versions not stated): ESP Exome Variant Server 0.00008; gnomAD 0.00026 and 0.00029; gnomAD exomes 0.00026 and 0.00039; TOPMed 0.00028; ExAC 0.00036.
gnomAD v4.1: 589 of 1,613,864 alleles (0.036%); highest among the groups gnomAD compares: Non-Finnish European, 0.048%; no homozygotes.

Submissions (4):

CeGaT Center for Human Genetics Tuebingen
Classification: Likely benign. Last evaluated: 2026-03-01. Review status: criteria provided, single submitter. Criteria: CeGaT Center For Human Genetics Tuebingen Variant Classification Criteria Version 2. Collection method: clinical testing. Allele origin: germline. Affected: yes. Observed: 1 variant allele.
Comment: HDAC4: BP4, BS2

Labcorp Genetics (formerly Invitae), Labcorp
Classification: Likely benign. Last evaluated: 2025-08-25. Review status: criteria provided, single submitter. Criteria: Invitae Variant Classification Sherloc (09022015). Collection method: clinical testing. Allele origin: germline.

PreventionGenetics, part of Exact Sciences
Classification: Likely benign for HDAC4-related condition. Last evaluated: 2025-05-28. Review status: criteria provided, single submitter. Criteria: ACMG Guidelines, 2015. Collection method: clinical testing. Allele origin: germline.
Comment: This variant is classified as likely benign based on ACMG/AMP sequence variant interpretation guidelines (Richards et al. 2015 PMID: 25741868, with internal and published modifications).

Ambry Genetics
Classification: Likely benign for Inborn genetic diseases. Last evaluated: 2024-10-04. Review status: criteria provided, single submitter. Criteria: Ambry Variant Classification Scheme 2023. Collection method: clinical testing. Allele origin: germline.